The following is an entry in ClinVar:

ClinVar aggregate classification (germline): Uncertain significance. Review status: criteria provided, multiple submitters, no conflicts (2 of 4 stars). 2 submissions from 2 submitters: Uncertain significance (2). Last evaluated 2023-07-19.

Conditions:
Familial hypobetalipoproteinemia 1. Also called: APOB-Related Familial Hypobetalipoproteinemia; Hypobetalipoproteinemia, normotriglyceridemic; Acanthocytosis with hypobetalipoproteinemia. Identifiers: MedGen C4551990, MONDO:0014252, OMIM 615558.
Hypercholesterolemia, autosomal dominant, type B (FHCL2). Also called: Hyperlipoproteinemia Type IIb; Familial hypercholesterolemia 2; Familial Hypercholesterolemia Type B; APOLIPOPROTEIN B-100, FAMILIAL DEFECTIVE; APOLIPOPROTEIN B-100, FAMILIAL LIGAND-DEFECTIVE; HYPERCHOLESTEROLEMIA, FAMILIAL, DUE TO LIGAND-DEFECTIVE APOLIPOPROTEIN B. Identifiers: MedGen C1704417, MONDO:0007751, OMIM 144010.
Cardiovascular phenotype. Identifiers: MedGen CN230736.

gnomAD v4.1: 3 of 1,595,486 alleles (0.00019%); highest among the groups gnomAD compares: Non-Finnish European, 0.00026%; no homozygotes.

Submissions (2):

Labcorp Genetics (formerly Invitae), Labcorp
Classification: Uncertain significance for Familial hypobetalipoproteinemia 1; Hypercholesterolemia, autosomal dominant, type B. Last evaluated: 2023-07-19. Review status: criteria provided, single submitter. Criteria: Invitae Variant Classification Sherloc (09022015). Collection method: clinical testing. Allele origin: germline.
Comment: Advanced modeling of protein sequence and biophysical properties (such as structural, functional, and spatial information, amino acid conservation, physicochemical variation, residue mobility, and thermodynamic stability) performed at Invitae indicates that this missense variant is not expected to disrupt APOB protein function. In summary, the available evidence is currently insufficient to determine the role of this variant in disease. Therefore, it has been classified as a Variant of Uncertain Significance. This sequence change replaces isoleucine, which is neutral and non-polar, with lysine, which is basic and polar, at codon 2156 of the APOB protein (p.Ile2156Lys). This variant is present in population databases (no rsID available, gnomAD 0.0009%). This variant has not been reported in the literature in individuals affected with APOB-related conditions. ClinVar contains an entry for this variant (Variation ID: 1753683).

Ambry Genetics
Classification: Uncertain significance for Cardiovascular phenotype. Last evaluated: 2021-05-06. Review status: criteria provided, single submitter. Criteria: Ambry Variant Classification Scheme 2023. Collection method: clinical testing. Allele origin: germline.
Comment: The p.I2156K variant (also known as c.6467T>A), located in coding exon 26 of the APOB gene, results from a T to A substitution at nucleotide position 6467. The isoleucine at codon 2156 is replaced by lysine, an amino acid with dissimilar properties. This amino acid position is poorly conserved in available vertebrate species. In addition, this alteration is predicted to be tolerated by in silico analysis. Since supporting evidence is limited at this time, the clinical significance of this alteration remains unclear.

NM_000384.3(APOB):c.6467T>A (p.Ile2156Lys)

Gene: APOB (apolipoprotein B; minus strand). Cytogenetic location: 2p24.1.
Variant type: single nucleotide variant.
Coding change: c.6467T>A on transcript NM_000384.3 (MANE Select); coding-DNA position 6467, T replaced by A.
Protein change: p.Ile2156Lys; replaces isoleucine 2156 with lysine.
Molecular consequence: missense variant.
Genome position (GRCh38, 1-based): chr2:21,010,401, A>T on the plus strand (T>A on the coding strand, the complement: APOB is on the minus strand). VCF-style: chr2-21010401-A-T. GRCh37 (hg19) VCF-style: chr2-21233273-A-T.
Other names: short protein forms I2156K.
Identifiers: ClinVar variation 1753683 (VCV001753683.5), dbSNP rs1232529396, ClinGen allele CA346001692.